The following is an entry in ClinVar:

ClinVar aggregate classification (germline): Uncertain significance. Review status: criteria provided, multiple submitters, no conflicts (2 of 4 stars). 2 submissions from 2 submitters: Uncertain significance (2). Last evaluated 2024-05-20.

Conditions:
Inborn genetic diseases. Identifiers: MedGen C0950123, MeSH D030342.

Allele frequency attached by ClinVar (database versions not stated): gnomAD 0.00003; ExAC 0.00004; TOPMed 0.00005; gnomAD exomes 0.00006; ESP Exome Variant Server 0.00008.
gnomAD v4.1: 91 of 1,613,834 alleles (0.0056%); highest among the groups gnomAD compares: Middle Eastern, 0.016%; no homozygotes.

Submissions (2):

Ambry Genetics
Classification: Uncertain significance for Inborn genetic diseases. Last evaluated: 2024-05-20. Review status: criteria provided, single submitter. Criteria: Ambry Variant Classification Scheme 2023. Collection method: clinical testing. Allele origin: germline.

Labcorp Genetics (formerly Invitae), Labcorp
Classification: Uncertain significance. Last evaluated: 2022-06-20. Review status: criteria provided, single submitter. Criteria: Invitae Variant Classification Sherloc (09022015). Collection method: clinical testing. Allele origin: germline.
Comment: In summary, the available evidence is currently insufficient to determine the role of this variant in disease. Therefore, it has been classified as a Variant of Uncertain Significance. Algorithms developed to predict the effect of missense changes on protein structure and function are either unavailable or do not agree on the potential impact of this missense change (SIFT: "Deleterious"; PolyPhen-2: "Probably Damaging"; Align-GVGD: "Class C0"). This variant has not been reported in the literature in individuals affected with ACBD5-related conditions. This variant is present in population databases (rs371298763, gnomAD 0.02%). This sequence change replaces lysine, which is basic and polar, with arginine, which is basic and polar, at codon 153 of the ACBD5 protein (p.Lys153Arg).

NM_145698.5(ACBD5):c.458A>G (p.Lys153Arg)

Gene: ACBD5 (acyl-CoA binding domain containing 5; minus strand). Cytogenetic location: 10p12.1.
Variant type: single nucleotide variant.
Coding change: c.458A>G on transcript NM_145698.5 (MANE Select); coding-DNA position 458, A replaced by G.
Protein change: p.Lys153Arg; replaces lysine 153 with arginine.
Molecular consequence: missense variant.
Genome position (GRCh38, 1-based): chr10:27,223,370, T>C on the plus strand (A>G on the coding strand, the complement: ACBD5 is on the minus strand). VCF-style: chr10-27223370-T-C. GRCh37 (hg19) VCF-style: chr10-27512299-T-C.
Other names: c.353A>G, p.Lys118Arg (NM_001042473.4, NM_001352574.2, NM_001352575.2 and 6 more transcripts); c.452A>G, p.Lys151Arg (NM_001271512.3, NM_001352571.1, NM_001352586.1 and 1 more transcripts); c.131A>G, p.Lys44Arg (NM_001301251.2, NM_001301252.2, NM_001301253.2 and 4 more transcripts); c.479A>G, p.Lys160Arg (NM_001352568.1, NM_001352572.1); c.458A>G, p.Lys153Arg (NM_001352569.1, NM_001352570.1, NM_001352573.1 and 2 more transcripts); c.458A>G (NM_145698.3); short protein forms K118R, K44R, K151R, K153R, K160R.
Identifiers: ClinVar variation 1522122 (VCV001522122.7), dbSNP rs371298763, ClinGen allele CA5450952.